The following is an entry in ClinVar:

ClinVar aggregate classification (germline): Benign/Likely benign. Review status: criteria provided, multiple submitters, no conflicts (2 of 4 stars). 5 submissions from 5 submitters: Benign (1); Likely benign (4). Last evaluated 2025-10-01.

Conditions:
Hereditary cancer-predisposing syndrome. Also called: Hereditary neoplastic syndrome; Tumor predisposition; Neoplastic Syndromes, Hereditary; Hereditary Cancer Syndrome. Identifiers: Orphanet 140162, MedGen C0027672, MeSH D009386, MONDO:0015356.
Familial thoracic aortic aneurysm and aortic dissection (TAAD). Also called: Thoracic aortic aneurysms and dissections. Identifiers: Orphanet 91387, MedGen C4707243, MONDO:0019625.
Juvenile polyposis syndrome (JPS). Identifiers: Orphanet 2929, MedGen C0345893, MONDO:0017380, OMIM 174900.
Juvenile polyposis/hereditary hemorrhagic telangiectasia syndrome (JPHT). Also called: Juvenile Polyposis Syndrome / Hereditary Hemorrhagic Telangiectasia (JPS/HHT); JP/HHT SYNDROME; JUVENILE POLYPOSIS WITH HEREDITARY HEMORRHAGIC TELANGIECTASIA; POLYPOSIS, GENERALIZED JUVENILE, WITH PULMONARY ARTERIOVENOUS MALFORMATION; TELANGIECTASIA, HEREDITARY HEMORRHAGIC, WITH JUVENILE POLYPOSIS COLI. Identifiers: Orphanet 2929, MedGen C1832942, MONDO:0008278, OMIM 175050.

Allele frequency attached by ClinVar (database versions not stated): TOPMed below 0.00001; gnomAD exomes 0.00001 and 0.00002; ExAC 0.00002.
gnomAD v4.1: 6 of 1,613,492 alleles (0.00037%); highest among the groups gnomAD compares: Admixed American, 0.0083%; no homozygotes.

Submissions (5):

Labcorp Genetics (formerly Invitae), Labcorp
Classification: Likely benign for Juvenile polyposis syndrome. Last evaluated: 2025-10-01. Review status: criteria provided, single submitter. Criteria: Invitae Variant Classification Sherloc (09022015). Collection method: clinical testing. Allele origin: germline.

Myriad Genetics, Inc.
Classification: Benign for Juvenile polyposis/hereditary hemorrhagic telangiectasia syndrome. Last evaluated: 2025-03-18. Review status: criteria provided, single submitter. Criteria: Myriad Autosomal Dominant, Autosomal Recessive and X-Linked Classification Criteria (2023). Collection method: clinical testing. Allele origin: unknown.
Comment: This variant is considered benign. This variant is a silent/synonymous amino acid change and it is not expected to impact splicing.

Women's Health and Genetics/Laboratory Corporation of America, LabCorp
Classification: Likely benign. Last evaluated: 2023-07-21. Review status: criteria provided, single submitter. Criteria: LabCorp Variant Classification Summary - May 2015. Collection method: clinical testing. Allele origin: germline.

Color Diagnostics, LLC DBA Color Health
Classification: Likely benign for Hereditary cancer-predisposing syndrome. Last evaluated: 2017-02-21. Review status: criteria provided, single submitter. Criteria: ACMG Guidelines, 2015. Collection method: clinical testing. Allele origin: germline.

Ambry Genetics
Classification: Likely benign for Hereditary cancer-predisposing syndrome; Familial thoracic aortic aneurysm and aortic dissection. Last evaluated: 2016-03-22. Review status: criteria provided, single submitter. Criteria: Ambry Variant Classification Scheme 2023. Collection method: clinical testing. Allele origin: germline.

NM_005359.6(SMAD4):c.9T>C (p.Asn3=)

Gene: SMAD4 (SMAD family member 4; plus strand). Cytogenetic location: 18q21.2.
Variant type: single nucleotide variant.
Coding change: c.9T>C on transcript NM_005359.6 (MANE Select); coding-DNA position 9, T replaced by C.
Protein change: p.Asn3=; no amino-acid change (asparagine 3 retained).
Molecular consequence: synonymous variant.
Genome position (GRCh38, 1-based): chr18:51,047,055, T>C. VCF-style: chr18-51047055-T-C. GRCh37 (hg19) VCF-style: chr18-48573425-T-C.
Identifiers: ClinVar variation 484791 (VCV000484791.18), dbSNP rs762273127, ClinGen allele CA8965721.
Genomic context (GRCh38, chr18:51,047,055, plus strand): 5'-ATTGCTTCAGAAATTGGAGACATATTTGATTTAAAAGGAAAAACTTGAACAAATGGACAA[T>C]ATGTCTATTACGAATACACCAACAAGTAATGATGCCTGTCTGAGCATTGTGCATAGTTTG-3'
Protein context (NP_005350.1, residues 1-13): MD[Asn3=]MSITNTPTSN